The following is an entry in ClinVar:

ClinVar aggregate classification (germline): Uncertain significance. Review status: criteria provided, multiple submitters, no conflicts (2 of 4 stars). 2 submissions from 2 submitters: Uncertain significance (2). Last evaluated 2022-07-03.

Allele frequency attached by ClinVar (database versions not stated): gnomAD 0.00001 and 0.00003; ExAC 0.00002; TOPMed 0.00003; gnomAD exomes 0.00004 and 0.00006; 1000 Genomes Project 0.00020; 1000 Genomes Project 30x 0.00031.
gnomAD v4.1: 92 of 1,614,130 alleles (0.0057%); highest among the groups gnomAD compares: Non-Finnish European, 0.0071%; no homozygotes.

Submissions (2):

Labcorp Genetics (formerly Invitae), Labcorp
Classification: Uncertain significance. Last evaluated: 2022-07-03. Review status: criteria provided, single submitter. Criteria: Invitae Variant Classification Sherloc (09022015). Collection method: clinical testing. Allele origin: germline.
Comment: In summary, the available evidence is currently insufficient to determine the role of this variant in disease. Therefore, it has been classified as a Variant of Uncertain Significance. Algorithms developed to predict the effect of missense changes on protein structure and function are either unavailable or do not agree on the potential impact of this missense change (SIFT: "Not Available"; PolyPhen-2: "Probably Damaging"; Align-GVGD: "Not Available"). ClinVar contains an entry for this variant (Variation ID: 130627). This variant has not been reported in the literature in individuals affected with TRAPPC9-related conditions. This variant is present in population databases (rs35318201, gnomAD 0.01%). This sequence change replaces arginine, which is basic and polar, with tryptophan, which is neutral and slightly polar, at codon 923 of the TRAPPC9 protein (p.Arg923Trp).

Genetic Services Laboratory, University of Chicago
Classification: Uncertain significance. Last evaluated: 2014-03-13. Review status: criteria provided, single submitter. Criteria: ACMG Guidelines, 2007. Collection method: clinical testing. Allele origin: germline. Inheritance: Autosomal recessive inheritance.

NM_001160372.4(TRAPPC9):c.2473C>T (p.Arg825Trp)

Gene: TRAPPC9 (trafficking protein particle complex subunit 9; minus strand). Cytogenetic location: 8q24.3.
Variant type: single nucleotide variant.
Coding change: c.2473C>T on transcript NM_001160372.4 (MANE Select); coding-DNA position 2473, C replaced by T.
Protein change: p.Arg825Trp; replaces arginine 825 with tryptophan.
Molecular consequence: missense variant. On other transcripts: non-coding transcript variant (1).
Genome position (GRCh38, 1-based): chr8:140,221,542, G>A on the plus strand (C>T on the coding strand, the complement: TRAPPC9 is on the minus strand). VCF-style: chr8-140221542-G-A. GRCh37 (hg19) VCF-style: chr8-141231641-G-A.
Other names: c.2446C>T, p.Arg816Trp (NM_001321646.2); c.2494C>T, p.Arg832Trp (NM_001374682.1); c.2473C>T, p.Arg825Trp (NM_001374683.1, NM_031466.8); c.2329C>T, p.Arg777Trp (NM_001374684.1); short protein forms R825W, R816W, R777W, R832W.
Identifiers: ClinVar variation 130627 (VCV000130627.9), dbSNP rs35318201, ClinGen allele CA231576.